The following is an entry in ClinVar:

ClinVar aggregate classification (germline): Uncertain significance (1 of 4 stars; one submission).

gnomAD v4.1: 5 of 1,581,520 alleles (0.00032%); highest among the groups gnomAD compares: South Asian, 0.0011%; no homozygotes.

Submission:

Labcorp Genetics (formerly Invitae), Labcorp
Classification: Uncertain significance. Last evaluated: 2021-10-24. Review status: criteria provided, single submitter. Criteria: Invitae Variant Classification Sherloc (09022015). Collection method: clinical testing. Allele origin: germline.
Comment: This sequence change replaces arginine with glycine at codon 966 of the SPEG protein (p.Arg966Gly). The arginine residue is highly conserved and there is a moderate physicochemical difference between arginine and glycine. This variant is not present in population databases (ExAC no frequency). This variant has not been reported in the literature in individuals affected with SPEG-related conditions. Algorithms developed to predict the effect of missense changes on protein structure and function are either unavailable or do not agree on the potential impact of this missense change (SIFT: "Deleterious"; PolyPhen-2: "Benign"; Align-GVGD: "Class C0"). In summary, the available evidence is currently insufficient to determine the role of this variant in disease. Therefore, it has been classified as a Variant of Uncertain Significance.

NM_005876.5(SPEG):c.2896C>G (p.Arg966Gly)

Gene: SPEG (striated muscle enriched protein kinase; plus strand). Cytogenetic location: 2q35.
Variant type: single nucleotide variant.
Coding change: c.2896C>G on transcript NM_005876.5 (MANE Select); coding-DNA position 2896, C replaced by G.
Protein change: p.Arg966Gly; replaces arginine 966 with glycine.
Molecular consequence: missense variant.
Genome position (GRCh38, 1-based): chr2:219,467,188, C>G. VCF-style: chr2-219467188-C-G. GRCh37 (hg19) VCF-style: chr2-220331910-C-G.
Other names: short protein forms R966G.
Identifiers: ClinVar variation 1461117 (VCV001461117.3), dbSNP rs766307838, ClinGen allele CA350741622.